The following is an entry in ClinVar:

NM_001482.3(GATM):c.1043-254A>G

Gene: GATM (glycine amidinotransferase; minus strand). Cytogenetic location: 15q21.1.
Variant type: single nucleotide variant.
Coding change: c.1043-254A>G on transcript NM_001482.3 (MANE Select); 254 bases into the intron before coding-DNA position 1043, A replaced by G.
Molecular consequence: intron variant.
Genome position (GRCh38, 1-based): chr15:45,364,270, T>C on the plus strand (A>G on the coding strand, the complement: GATM is on the minus strand). VCF-style: chr15-45364270-T-C. GRCh37 (hg19) VCF-style: chr15-45656468-T-C.
Other names: c.656-254A>G (NM_001321015.2).
Identifiers: ClinVar variation 683993 (VCV000683993.2), dbSNP rs57369693, ClinGen allele CA15857907.

ClinVar aggregate classification (germline): Benign. Review status: criteria provided, multiple submitters, no conflicts (2 of 4 stars). 2 submissions from 2 submitters: Benign (2). Last evaluated 2018-06-14.

Allele frequency attached by ClinVar (database versions not stated): gnomAD 0.09540 and 0.09896; TOPMed 0.09546; 1000 Genomes Project 0.09984; 1000 Genomes Project 30x 0.09994; gnomAD exomes 0.12152.
gnomAD v4.1: 53,048 of 465,240 alleles (11%); highest among the groups gnomAD compares: Middle Eastern, 21%; 3,340 homozygotes.

Submissions (2):

GeneDx
Classification: Benign. Last evaluated: 2018-06-14. Review status: criteria provided, single submitter. Criteria: GeneDx Variant Classification (06012015). Collection method: clinical testing. Allele origin: germline. Affected: yes.
Comment: This variant is considered likely benign or benign based on one or more of the following criteria: it is a conservative change, it occurs at a poorly conserved position in the protein, it is predicted to be benign by multiple in silico algorithms, and/or has population frequency not consistent with disease.

Breakthrough Genomics
Classification: Benign. Review status: criteria provided, single submitter. Criteria: ACMG Guidelines, 2015. Collection method: not provided. Allele origin: germline. Inheritance: Autosomal recessive inheritance. Affected: yes.